The following is an entry in ClinVar:

ClinVar aggregate classification (germline): Uncertain significance (1 of 4 stars; one submission).

Conditions:
Inborn genetic diseases. Identifiers: MedGen C0950123, MeSH D030342.

gnomAD v4.1: 1 of 1,614,116 alleles (0.000062%); highest among the groups gnomAD compares: Non-Finnish European, 0.000085%; no homozygotes.

Submission:

Ambry Genetics
Classification: Uncertain significance for Inborn genetic diseases. Last evaluated: 2025-02-03. Review status: criteria provided, single submitter. Criteria: Ambry Variant Classification Scheme 2023. Collection method: clinical testing. Allele origin: germline.
Comment: The p.A127T variant (also known as c.379G>A), located in coding exon 4 of the FANCA gene, results from a G to A substitution at nucleotide position 379. The alanine at codon 127 is replaced by threonine, an amino acid with similar properties. This amino acid position is conserved. In addition, this alteration is predicted to be tolerated by in silico analysis. Based on the available evidence, the clinical significance of this variant remains unclear.

NM_000135.4(FANCA):c.379G>A (p.Ala127Thr)

Gene: FANCA (FA complementation group A; minus strand). Cytogenetic location: 16q24.3.
Variant type: single nucleotide variant.
Coding change: c.379G>A on transcript NM_000135.4 (MANE Select); coding-DNA position 379, G replaced by A.
Protein change: p.Ala127Thr; replaces alanine 127 with threonine.
Molecular consequence: missense variant.
Genome position (GRCh38, 1-based): chr16:89,810,976, C>T on the plus strand (G>A on the coding strand, the complement: FANCA is on the minus strand). VCF-style: chr16-89810976-C-T. GRCh37 (hg19) VCF-style: chr16-89877384-C-T.
Other names: c.379G>A, p.Ala127Thr (NM_001018112.3, NM_001286167.3, NM_001351830.2); short protein forms A127T.
Identifiers: ClinVar variation 3848178 (VCV003848178.1).
Genomic context (GRCh38, chr16:89,810,976, plus strand): 5'-GCTGGTGTCTTACTCTCTGCTCCACAGTCAGCAGCACAGGGTGACTGGTCTCCGCTGGAG[C>T]CGTGCAGATCTGTCCCACGCTAGAGGCAACCATCCCGGCTGAGAGAATACCCACGGGAAC-3'
Protein context (NP_000126.2, residues 117-137): VASSVGQICT[Ala127Thr]PAETSHPVLL